The following is an entry in ClinVar:

NM_001370785.2(LRRC7):c.4184A>T (p.Tyr1395Phe)

Gene: LRRC7 (leucine rich repeat containing 7; plus strand). Cytogenetic location: 1p31.1.
Variant type: single nucleotide variant.
Coding change: c.4184A>T on transcript NM_001370785.2 (MANE Select); coding-DNA position 4184, A replaced by T.
Protein change: p.Tyr1395Phe; replaces tyrosine 1395 with phenylalanine.
Molecular consequence: missense variant. On other transcripts: intron variant (1).
Genome position (GRCh38, 1-based): chr1:70,053,099, A>T. VCF-style: chr1-70053099-A-T. GRCh37 (hg19) VCF-style: chr1-70518782-A-T.
Other names: c.3944A>T, p.Tyr1315Phe (NM_001330635.3, NM_001366841.1); c.4046A>T, p.Tyr1349Phe (NM_001350216.3); c.4043A>T, p.Tyr1348Phe (NM_001366838.3); c.3810+13306A>T (NM_001366839.3); short protein forms Y1395F, Y1348F, Y1349F, Y1315F.
Identifiers: ClinVar variation 4705367 (VCV004705367.1).

ClinVar aggregate classification (germline): Uncertain significance (1 of 4 stars; one submission).

gnomAD v4.1: 5 of 1,610,872 alleles (0.00031%); highest among the groups gnomAD compares: African/African-American, 0.0013%; no homozygotes.

Submission:

Labcorp Genetics (formerly Invitae), Labcorp
Classification: Uncertain significance. Last evaluated: 2025-05-05. Review status: criteria provided, single submitter. Criteria: Invitae Variant Classification Sherloc (09022015). Collection method: clinical testing. Allele origin: germline.
Comment: This sequence change replaces tyrosine, which is neutral and polar, with phenylalanine, which is neutral and non-polar, at codon 1395 of the LRRC7 protein (p.Tyr1395Phe). This variant is present in population databases (rs746242327, gnomAD 0.007%). This variant has not been reported in the literature in individuals affected with LRRC7-related conditions. Experimental studies and prediction algorithms are not available or were not evaluated, and the functional significance of this variant is currently unknown. In summary, the available evidence is currently insufficient to determine the role of this variant in disease. Therefore, it has been classified as a Variant of Uncertain Significance.